The following is an entry in ClinVar:

NM_004380.3(CREBBP):c.6480G>A (p.Ala2160=)

Gene: CREBBP (CREB binding lysine acetyltransferase; minus strand). Cytogenetic location: 16p13.3.
Variant type: single nucleotide variant.
Coding change: c.6480G>A on transcript NM_004380.3 (MANE Select); coding-DNA position 6480, G replaced by A.
Protein change: p.Ala2160=; no amino-acid change (alanine 2160 retained).
Molecular consequence: synonymous variant.
Genome position (GRCh38, 1-based): chr16:3,728,567, C>T on the plus strand (G>A on the coding strand, the complement: CREBBP is on the minus strand). VCF-style: chr16-3728567-C-T. GRCh37 (hg19) VCF-style: chr16-3778568-C-T.
Other names: c.6480G>A (NM_004380.2); c.6366G>A, p.Ala2122= (NM_001079846.1).
Identifiers: ClinVar variation 1898624 (VCV001898624.6), dbSNP rs1281471008, ClinGen allele CA493393759.
Genomic context (GRCh38, chr16:3,728,567, plus strand): 5'-GGGGTTGTGTCCTGGGTTCATGATGTTCAAGGCCTGGCCCTGGGGGTTCAGGCCTCCCAT[C>T]GCCTGCTGCTGTGGAGGCACACCGGGCCGCGGCACGCCAGCCTGCATGGCATTCAGGTTC-3'
Protein context (NP_004371.2, residues 2150-2170): PRPGVPPQQQ[Ala2160=]MGGLNPQGQA

ClinVar aggregate classification (germline): Likely benign. Review status: criteria provided, single submitter (1 of 4 stars). 2 submissions from 2 submitters: Likely benign (1). 1 of the submissions does not count toward it. Last evaluated 2022-11-15.

Conditions:
Rubinstein-Taybi syndrome (RSTS). Identifiers: Orphanet 783, MedGen C0035934, MONDO:0019188.
CREBBP-related disorder. Also called: CREBBP-related disorders; CREBBP-related condition.

gnomAD v4.1: 10 of 1,614,030 alleles (0.00062%); highest among the groups gnomAD compares: East Asian, 0.0022%; no homozygotes.

Submissions (2):

Labcorp Genetics (formerly Invitae), Labcorp
Classification: Likely benign for Rubinstein-Taybi syndrome. Last evaluated: 2022-11-15. Review status: criteria provided, single submitter. Criteria: Invitae Variant Classification Sherloc (09022015). Collection method: clinical testing. Allele origin: germline.

PreventionGenetics, part of Exact Sciences
Classification: Likely benign for CREBBP-related condition. Last evaluated: 2022-07-06. Review status: no assertion criteria provided. Collection method: clinical testing. Allele origin: germline. Not counted in ClinVar's aggregate classification.
Comment: This variant is classified as likely benign based on ACMG/AMP sequence variant interpretation guidelines (Richards et al. 2015 PMID: 25741868, with internal and published modifications).